The following is an entry in ClinVar:

NM_032578.4(MYPN):c.1096T>C (p.Ser366Pro)

Gene: MYPN (myopalladin; plus strand). Cytogenetic location: 10q21.3.
Variant type: single nucleotide variant.
Coding change: c.1096T>C on transcript NM_032578.4 (MANE Select); coding-DNA position 1096, T replaced by C.
Protein change: p.Ser366Pro; replaces serine 366 with proline.
Molecular consequence: missense variant. On other transcripts: non-coding transcript variant (2).
Genome position (GRCh38, 1-based): chr10:68,145,492, T>C. VCF-style: chr10-68145492-T-C. GRCh37 (hg19) VCF-style: chr10-69905249-T-C.
Other names: c.1096T>C, p.Ser366Pro (NM_001256267.2); c.214T>C, p.Ser72Pro (NM_001256268.2); short protein forms S366P, S72P.
Identifiers: ClinVar variation 579816 (VCV000579816.13), dbSNP rs535795936, ClinGen allele CA5522433.
Genomic context (GRCh38, chr10:68,145,492, plus strand): 5'-ATTGTCATCTTAACAATCTTATGTCTTGTTTTTATTTTTCCAGGGGTTTCTTCTTCTGAC[T>C]CAGAAGGCGACCCTAACAAGGAAGAGATGAATCGGTAATTCTGATTTTCTGTCTTATAGC-3'
Protein context (NP_115967.2, residues 356-376): IYIEGVSSSD[Ser366Pro]EGDPNKEEMN

ClinVar aggregate classification (germline): Conflicting classifications of pathogenicity. Review status: criteria provided, conflicting classifications (1 of 4 stars). 5 submissions from 5 submitters: Uncertain significance (4); Likely benign (1). Last evaluated 2026-09-01.

Conditions:
MYPN-related disorder. Also called: MYPN-related condition.
Cardiovascular phenotype. Identifiers: MedGen CN230736.
Dilated cardiomyopathy 1KK (CMD1KK). Identifiers: Orphanet 154, Orphanet 75249, MedGen C3714995, MONDO:0014100, OMIM 615248.

Allele frequency attached by ClinVar (database versions not stated): gnomAD exomes 0.00002; TOPMed 0.00002; gnomAD 0.00003; ExAC 0.00004; 1000 Genomes Project 30x 0.00078; 1000 Genomes Project 0.00100.
gnomAD v4.1: 31 of 1,613,568 alleles (0.0019%); highest among the groups gnomAD compares: South Asian, 0.032%; 2 homozygotes.

Submissions (5):

PreventionGenetics, part of Exact Sciences
Classification: Uncertain significance for MYPN-related condition. Last evaluated: 2026-09-01. Review status: criteria provided, single submitter. Criteria: ACMG Guidelines, 2015. Collection method: clinical testing. Allele origin: germline.
Comment: The MYPN c.1096T>C variant is predicted to result in the amino acid substitution p.Ser366Pro. This variant was reported in an individual with dilated cardiomyopathy, but it was also reported in a healthy control individual in the same study (Tables S3 and S4, Mazzarotto et al. 2020. PubMed ID: 31983221). This variant is reported in 0.020% of alleles in individuals of South Asian descent in gnomAD. At this time, the clinical significance of this variant is uncertain due to the absence of conclusive functional and genetic evidence.

Ambry Genetics
Classification: Uncertain significance for Cardiovascular phenotype. Last evaluated: 2025-04-09. Review status: criteria provided, single submitter. Criteria: Ambry Variant Classification Scheme 2023. Collection method: clinical testing. Allele origin: germline.
Comment: The p.S366P variant (also known as c.1096T>C), located in coding exon 3 of the MYPN gene, results from a T to C substitution at nucleotide position 1096. The serine at codon 366 is replaced by proline, an amino acid with similar properties. This alteration has been reported in a dilated cardiomyopathy (DCM) cohort; however, clinical details were limited (Mazzarotto F et al. Circulation, 2020 02;141:387-398). This amino acid position is highly conserved in available vertebrate species. In addition, the in silico prediction for this alteration is inconclusive. Since supporting evidence is limited at this time, the clinical significance of this alteration remains unclear.

Labcorp Genetics (formerly Invitae), Labcorp
Classification: Uncertain significance for Dilated cardiomyopathy 1KK. Last evaluated: 2022-07-08. Review status: criteria provided, single submitter. Criteria: Invitae Variant Classification Sherloc (09022015). Collection method: clinical testing. Allele origin: germline.
Comment: This sequence change replaces serine, which is neutral and polar, with proline, which is neutral and non-polar, at codon 366 of the MYPN protein (p.Ser366Pro). This variant is present in population databases (rs535795936, gnomAD 0.01%). This missense change has been observed in individual(s) with dilated cardiomyopathy (PMID: 31983221). ClinVar contains an entry for this variant (Variation ID: 579816). Algorithms developed to predict the effect of missense changes on protein structure and function are either unavailable or do not agree on the potential impact of this missense change (SIFT: "Tolerated"; PolyPhen-2: "Possibly Damaging"; Align-GVGD: "Class C0"). In summary, the available evidence is currently insufficient to determine the role of this variant in disease. Therefore, it has been classified as a Variant of Uncertain Significance.

Blueprint Genetics
Classification: Likely benign. Last evaluated: 2022-04-12. Review status: criteria provided, single submitter. Criteria: ACMG Guidelines, 2015. Collection method: clinical testing. Allele origin: germline.

Revvity Omics, Revvity
Classification: Uncertain significance. Last evaluated: 2020-10-02. Review status: criteria provided, single submitter. Criteria: ACMG Guidelines, 2015. Collection method: clinical testing. Allele origin: germline.

Literature cited by the submitters: PubMed 31983221 (cited by Ambry Genetics and Labcorp Genetics (formerly Invitae), Labcorp).